The following is an entry in ClinVar:

ClinVar aggregate classification (germline): Uncertain significance (1 of 4 stars; one submission).

Conditions:
Alzheimer disease 9. Also called: ALZHEIMER DISEASE 9, LATE-ONSET; ALZHEIMER DISEASE 9, SUSCEPTIBILITY TO. Identifiers: MedGen C4282179, MONDO:0012153, OMIM 608907.

Allele frequency attached by ClinVar (database versions not stated): ExAC 0.00003.
gnomAD v4.1: 11 of 1,586,514 alleles (0.00069%); highest among the groups gnomAD compares: South Asian, 0.01%; no homozygotes.

Submission:

Neuberg Centre For Genomic Medicine, NCGM
Classification: Uncertain significance for Alzheimer disease 9. Review status: criteria provided, single submitter. Criteria: ACMG Guidelines, 2015. Collection method: clinical testing. Allele origin: germline. Inheritance: Autosomal dominant inheritance. Affected: yes.
Comment: The missense variant c.6224C>A (p.Ala2075Glu) in ABCA7 gene has not been reported previously as a pathogenic variant nor as a benign variant, to our knowledge. This variant is reported with the allele frequency 0.001% in the gnomAD and novel in 1000 genome database. The amino acid Ala at position 2075 is changed to a Glu changing protein sequence and it might alter its composition and physico-chemical properties. For these reasons, this variant has been classified as Uncertain Significance

NM_019112.4(ABCA7):c.6224C>A (p.Ala2075Glu)

Genes: ABCA7 (ATP binding cassette subfamily A member 7; plus strand), LOC130062871 (ATAC-STARR-seq lymphoblastoid silent region 9656; plus strand). Cytogenetic location: 19p13.3.
Variant type: single nucleotide variant.
Coding change: c.6224C>A on transcript NM_019112.4 (MANE Select); coding-DNA position 6224, C replaced by A.
Protein change: p.Ala2075Glu; replaces alanine 2075 with glutamic acid.
Molecular consequence: missense variant.
Genome position (GRCh38, 1-based): chr19:1,065,110, C>A. VCF-style: chr19-1065110-C-A. GRCh37 (hg19) VCF-style: chr19-1065109-C-A.
Other names: short protein forms A2075E.
Identifiers: ClinVar variation 2585149 (VCV002585149.1), dbSNP rs761236737, ClinGen allele CA9035139.
Genomic context (GRCh38, chr19:1,065,110, plus strand): 5'-TGCGCTTCCAGCTGCCGCCGGGAGGGCGCTGCGCCCTGGCGCGCGTCTTTGGAGAGCTGG[C>A]GGTGCACGGCGCAGAGCACGGCGTGGAGGACTTTTCCGTGAGCCAGACGATGCTGGAGGA-3'
Protein context (NP_061985.2, residues 2065-2085): CALARVFGEL[Ala2075Glu]VHGAEHGVED